The following is an entry in ClinVar:

NM_001605.3(AARS1):c.2270G>A (p.Gly757Asp)

Gene: AARS1 (alanyl-tRNA synthetase 1; minus strand). Cytogenetic location: 16q22.1.
Variant type: single nucleotide variant.
Coding change: c.2270G>A on transcript NM_001605.3 (MANE Select); coding-DNA position 2270, G replaced by A.
Protein change: p.Gly757Asp; replaces glycine 757 with aspartic acid.
Molecular consequence: missense variant.
Genome position (GRCh38, 1-based): chr16:70,255,744, C>T on the plus strand (G>A on the coding strand, the complement: AARS1 is on the minus strand). VCF-style: chr16-70255744-C-T. GRCh37 (hg19) VCF-style: chr16-70289647-C-T.
Other names: short protein forms G757D.
Identifiers: ClinVar variation 1682148 (VCV001682148.6), dbSNP rs2152151798, ClinGen allele CA396556810.

ClinVar aggregate classification (germline): Uncertain significance (1 of 4 stars; one submission).

Conditions:
Charcot-Marie-Tooth disease type 2. Also called: Charcot-Marie-Tooth type 2. Identifiers: Orphanet 64746, MedGen C0270914, MONDO:0018993.

Submission:

Labcorp Genetics (formerly Invitae), Labcorp
Classification: Uncertain significance for Charcot-Marie-Tooth disease type 2. Last evaluated: 2024-11-12. Review status: criteria provided, single submitter. Criteria: Invitae Variant Classification Sherloc (09022015). Collection method: clinical testing. Allele origin: germline.
Comment: This sequence change replaces glycine, which is neutral and non-polar, with aspartic acid, which is acidic and polar, at codon 757 of the AARS protein (p.Gly757Asp). This variant is not present in population databases (gnomAD no frequency). This variant has not been reported in the literature in individuals affected with AARS-related conditions. ClinVar contains an entry for this variant (Variation ID: 1682148). Invitae Evidence Modeling of protein sequence and biophysical properties (such as structural, functional, and spatial information, amino acid conservation, physicochemical variation, residue mobility, and thermodynamic stability) has been performed for this missense variant. However, the output from this modeling did not meet the statistical confidence thresholds required to predict the impact of this variant on AARS protein function. In summary, the available evidence is currently insufficient to determine the role of this variant in disease. Therefore, it has been classified as a Variant of Uncertain Significance.